The following is an entry in ClinVar:

ClinVar aggregate classification (germline): Uncertain significance (1 of 4 stars; one submission).

Conditions:
Neurofibromatosis, type 1 (NF1). Also called: VON RECKLINGHAUSEN DISEASE; NEUROFIBROMATOSIS, TYPE I, SOMATIC; Peripheral type neurofibromatosis; Neurofibromatosis, type I. Identifiers: Orphanet 636, MedGen C0027831, MONDO:0018975, OMIM 162200. Disease mechanism: loss of function.

Submission:

Labcorp Genetics (formerly Invitae), Labcorp
Classification: Uncertain significance for Neurofibromatosis, type 1. Last evaluated: 2023-08-18. Review status: criteria provided, single submitter. Criteria: Invitae Variant Classification Sherloc (09022015). Collection method: clinical testing. Allele origin: germline.
Comment: In summary, the available evidence is currently insufficient to determine the role of this variant in disease. Therefore, it has been classified as a Variant of Uncertain Significance. Advanced modeling of protein sequence and biophysical properties (such as structural, functional, and spatial information, amino acid conservation, physicochemical variation, residue mobility, and thermodynamic stability) performed at Invitae indicates that this missense variant is expected to disrupt NF1 protein function. This variant has not been reported in the literature in individuals affected with NF1-related conditions. This variant is not present in population databases (gnomAD no frequency). This sequence change replaces tyrosine, which is neutral and polar, with cysteine, which is neutral and slightly polar, at codon 2063 of the NF1 protein (p.Tyr2063Cys).

NM_001042492.3(NF1):c.6251A>G (p.Tyr2084Cys)

Gene: NF1 (neurofibromin 1; plus strand). Cytogenetic location: 17q11.2.
Variant type: single nucleotide variant.
Coding change: c.6251A>G on transcript NM_001042492.3 (MANE Select); coding-DNA position 6251, A replaced by G.
Protein change: p.Tyr2084Cys; replaces tyrosine 2084 with cysteine.
Molecular consequence: missense variant.
Genome position (GRCh38, 1-based): chr17:31,336,738, A>G. VCF-style: chr17-31336738-A-G. GRCh37 (hg19) VCF-style: chr17-29663756-A-G.
Other names: c.6188A>G, p.Tyr2063Cys (NM_000267.4); short protein forms Y2063C, Y2084C.
Identifiers: ClinVar variation 2753654 (VCV002753654.3), dbSNP rs2151554613, ClinGen allele CA399012131.
Genomic context (GRCh38, chr17:31,336,738, plus strand): 5'-CTCCAACTCCTACTTTAGAACAACATCTTATGTGGGATGATATTGCTATTTTAGCACGCT[A>G]CATGCTGATGCTGTCCTTCAACAATTCCCTTGATGTGGCAGCTCATCTTCCCTACCTCTT-3'
Protein context (NP_001035957.1, residues 2074-2094): MWDDIAILAR[Tyr2084Cys]MLMLSFNNSL